The following is an entry in ClinVar:

NM_006904.7(PRKDC):c.1999T>C (p.Tyr667His)

Gene: PRKDC (protein kinase, DNA-activated, catalytic subunit; minus strand). Cytogenetic location: 8q11.21.
Variant type: single nucleotide variant.
Coding change: c.1999T>C on transcript NM_006904.7 (MANE Select); coding-DNA position 1999, T replaced by C.
Protein change: p.Tyr667His; replaces tyrosine 667 with histidine.
Molecular consequence: missense variant.
Genome position (GRCh38, 1-based): chr8:47,929,906, A>G on the plus strand (T>C on the coding strand, the complement: PRKDC is on the minus strand). VCF-style: chr8-47929906-A-G. GRCh37 (hg19) VCF-style: chr8-48842466-A-G.
Other names: c.1999T>C, p.Tyr667His (NM_001081640.2); short protein forms Y667H.
Identifiers: ClinVar variation 3225772 (VCV003225772.1), dbSNP rs2551878608, ClinGen allele CA371164186.

ClinVar aggregate classification (germline): Uncertain significance (1 of 4 stars; one submission).

Submission:

Ambry Genetics
Classification: Uncertain significance. Last evaluated: 2024-02-27. Review status: criteria provided, single submitter. Criteria: Ambry Variant Classification Scheme 2023. Collection method: clinical testing. Allele origin: germline.
Comment: The p.Y667H variant (also known as c.1999T>C), located in coding exon 18 of the PRKDC gene, results from a T to C substitution at nucleotide position 1999. The tyrosine at codon 667 is replaced by histidine, an amino acid with similar properties. This amino acid position is conserved. In addition, the in silico prediction for this alteration is inconclusive. Based on the available evidence, the clinical significance of this alteration remains unclear.